The following is an entry in ClinVar:

NM_015311.3(OBSL1):c.1066G>A (p.Gly356Arg)

Gene: OBSL1 (obscurin like cytoskeletal adaptor 1; minus strand). Cytogenetic location: 2q35.
Variant type: single nucleotide variant.
Coding change: c.1066G>A on transcript NM_015311.3 (MANE Select); coding-DNA position 1066, G replaced by A.
Protein change: p.Gly356Arg; replaces glycine 356 with arginine.
Molecular consequence: missense variant.
Genome position (GRCh38, 1-based): chr2:219,568,271, C>T on the plus strand (G>A on the coding strand, the complement: OBSL1 is on the minus strand). VCF-style: chr2-219568271-C-T. GRCh37 (hg19) VCF-style: chr2-220432993-C-T.
Other names: c.1066G>A, p.Gly356Arg (NM_001173408.2, NM_001173431.2); c.1066G>A (NM_015311.2); short protein forms G356R.
Identifiers: ClinVar variation 2059538 (VCV002059538.3), dbSNP rs369090547, ClinGen allele CA2131645.
Genomic context (GRCh38, chr2:219,568,271, plus strand): 5'-CACGGAACCAGGCCGTGGGGATGCGGGAGTTGGGTACTTTACATTCCAGCACGGCAATCC[C>T]GTGCTCACGGCCCTCCACGTCCTGCAGGGGCCGTGTGAACCGGAGGCGGGGCTCTGTGGA-3'
Protein context (NP_056126.1, residues 346-366): PLQDVEGREH[Gly356Arg]IAVLECKVPN

ClinVar aggregate classification (germline): Uncertain significance. Review status: criteria provided, multiple submitters, no conflicts (2 of 4 stars). 2 submissions from 2 submitters: Uncertain significance (2). Last evaluated 2023-01-26.

Conditions:
Inborn genetic diseases. Identifiers: MedGen C0950123, MeSH D030342.

Allele frequency attached by ClinVar (database versions not stated): ExAC 0.00003; gnomAD 0.00003; TOPMed 0.00004; gnomAD exomes 0.00006; ESP Exome Variant Server 0.00008.

Submissions (2):

Ambry Genetics
Classification: Uncertain significance for Inborn genetic diseases. Last evaluated: 2023-01-26. Review status: criteria provided, single submitter. Criteria: Ambry Variant Classification Scheme 2023. Collection method: clinical testing. Allele origin: germline.

Labcorp Genetics (formerly Invitae), Labcorp
Classification: Uncertain significance. Last evaluated: 2022-07-03. Review status: criteria provided, single submitter. Criteria: Invitae Variant Classification Sherloc (09022015). Collection method: clinical testing. Allele origin: germline.
Comment: This sequence change replaces glycine, which is neutral and non-polar, with arginine, which is basic and polar, at codon 356 of the OBSL1 protein (p.Gly356Arg). This variant is present in population databases (rs369090547, gnomAD 0.01%). This variant has not been reported in the literature in individuals affected with OBSL1-related conditions. Algorithms developed to predict the effect of missense changes on protein structure and function are either unavailable or do not agree on the potential impact of this missense change (SIFT: "Tolerated"; PolyPhen-2: "Possibly Damaging"; Align-GVGD: "Class C0"). In summary, the available evidence is currently insufficient to determine the role of this variant in disease. Therefore, it has been classified as a Variant of Uncertain Significance.